The following is an entry in ClinVar:

ClinVar aggregate classification (germline): Uncertain significance (1 of 4 stars; one submission).

Conditions:
BAP1-related tumor predisposition syndrome (TPDS1). Also called: TUMOR PREDISPOSITION SYNDROME 1; BAP1 tumor predisposition syndrome; Tumor susceptibility linked to germline BAP1 mutations; COMMON Syndrome. Identifiers: Orphanet 289539, MedGen C3280492, MONDO:0013692, OMIM 614327.

Submission:

Labcorp Genetics (formerly Invitae), Labcorp
Classification: Uncertain significance for BAP1-related tumor predisposition syndrome. Last evaluated: 2025-06-23. Review status: criteria provided, single submitter. Criteria: Invitae Variant Classification Sherloc (09022015). Collection method: clinical testing. Allele origin: germline.
Comment: This sequence change replaces arginine, which is basic and polar, with leucine, which is neutral and non-polar, at codon 179 of the BAP1 protein (p.Arg179Leu). This variant is not present in population databases (gnomAD no frequency). This variant has not been reported in the literature in individuals affected with BAP1-related conditions. Invitae Evidence Modeling of protein sequence and biophysical properties (such as structural, functional, and spatial information, amino acid conservation, physicochemical variation, residue mobility, and thermodynamic stability) indicates that this missense variant is expected to disrupt BAP1 protein function with a positive predictive value of 80%. This variant disrupts the p.Arg179 amino acid residue in BAP1. Other variant(s) that disrupt this residue have been determined to be pathogenic (PMID: 35483881, 35992853, 38969833). This suggests that this residue is clinically significant, and that variants that disrupt this residue are likely to be disease-causing. In summary, the available evidence is currently insufficient to determine the role of this variant in disease. Therefore, it has been classified as a Variant of Uncertain Significance.

Literature cited by the submitters: PubMed 35483881; PubMed 35992853; PubMed 38969833.

NM_004656.4(BAP1):c.536G>T (p.Arg179Leu)

Gene: BAP1 (BRCA1 associated deubiquitinase 1; minus strand). Cytogenetic location: 3p21.1.
Variant type: single nucleotide variant.
Coding change: c.536G>T on transcript NM_004656.4 (MANE Select); coding-DNA position 536, G replaced by T.
Protein change: p.Arg179Leu; replaces arginine 179 with leucine.
Molecular consequence: missense variant.
Genome position (GRCh38, 1-based): chr3:52,407,218, C>A on the plus strand (G>T on the coding strand, the complement: BAP1 is on the minus strand). VCF-style: chr3-52407218-C-A. GRCh37 (hg19) VCF-style: chr3-52441234-C-A.
Other names: c.536G>T, p.Arg179Leu (NM_001410772.1); short protein forms R179L.
Identifiers: ClinVar variation 4741706 (VCV004741706.1).